The following is an entry in ClinVar:

ClinVar aggregate classification (germline): Uncertain significance (1 of 4 stars; one submission).

Allele frequency attached by ClinVar (database versions not stated): gnomAD exomes below 0.00001.
gnomAD v4.1: 4 of 1,614,132 alleles (0.00025%); highest among the groups gnomAD compares: Admixed American, 0.005%; no homozygotes.

Submission:

Labcorp Genetics (formerly Invitae), Labcorp
Classification: Uncertain significance. Last evaluated: 2025-10-15. Review status: criteria provided, single submitter. Criteria: Invitae Variant Classification Sherloc (09022015). Collection method: clinical testing. Allele origin: germline.
Comment: This sequence change replaces arginine, which is basic and polar, with lysine, which is basic and polar, at codon 452 of the PPP2R5D protein (p.Arg452Lys). This variant is not present in population databases (gnomAD no frequency). This variant has not been reported in the literature in individuals affected with PPP2R5D-related conditions. ClinVar contains an entry for this variant (Variation ID: 1945160). An algorithm developed to predict the effect of missense changes on protein structure and function (PolyPhen-2) suggests that this variant is likely to be tolerated. In summary, the available evidence is currently insufficient to determine the role of this variant in disease. Therefore, it has been classified as a Variant of Uncertain Significance.

NM_006245.4(PPP2R5D):c.1355G>A (p.Arg452Lys)

Gene: PPP2R5D (protein phosphatase 2 regulatory subunit B'delta; plus strand). Cytogenetic location: 6p21.1.
Variant type: single nucleotide variant.
Coding change: c.1355G>A on transcript NM_006245.4 (MANE Select); coding-DNA position 1355, G replaced by A.
Protein change: p.Arg452Lys; replaces arginine 452 with lysine.
Molecular consequence: missense variant.
Genome position (GRCh38, 1-based): chr6:43,009,425, G>A. VCF-style: chr6-43009425-G-A. GRCh37 (hg19) VCF-style: chr6-42977163-G-A.
Other names: c.1259G>A, p.Arg420Lys (NM_180976.3); c.1037G>A, p.Arg346Lys (NM_180977.3); c.902G>A, p.Arg301Lys (NM_001270476.2); short protein forms R301K, R346K, R452K, R420K.
Identifiers: ClinVar variation 1945160 (VCV001945160.5), dbSNP rs2532485431, ClinGen allele CA364194697.